The following is an entry in ClinVar:

ClinVar aggregate classification (germline): Pathogenic (1 of 4 stars; one submission).

Conditions:
Wilms tumor 1 (WT1). Also called: Wilms tumor, somatic. Identifiers: Orphanet 654, MedGen CN033288, MONDO:0008679, OMIM 194070.

Submission:

Labcorp Genetics (formerly Invitae), Labcorp
Classification: Pathogenic for Wilms tumor 1. Last evaluated: 2022-08-20. Review status: criteria provided, single submitter. Criteria: Invitae Variant Classification Sherloc (09022015). Collection method: clinical testing. Allele origin: germline.
Comment: This sequence change creates a premature translational stop signal (p.Arg203Valfs*3) in the GPC3 gene. It is expected to result in an absent or disrupted protein product. Loss-of-function variants in GPC3 are known to be pathogenic (PMID: 10402475, 12713262, 17603795). For these reasons, this variant has been classified as Pathogenic. This variant has not been reported in the literature in individuals affected with GPC3-related conditions. This variant is not present in population databases (gnomAD no frequency).

Literature cited by the submitters: PubMed 10402475; PubMed 12713262; PubMed 17603795.

NM_004484.4(GPC3):c.607del (p.Arg203fs)

Gene: GPC3 (glypican 3; minus strand). Cytogenetic location: Xq26.2.
Variant type: Deletion.
Coding change: c.607del on transcript NM_004484.4 (MANE Select); coding-DNA position 607, one base deleted (C; older notation c.607delC).
Protein change: p.Arg203fs; shifts the reading frame from arginine 203.
Molecular consequence: frameshift variant.
Genome position (GRCh38, 1-based): chrX:133,753,907, G deleted on the plus strand (C on the coding strand, the reverse complement: GPC3 is on the minus strand). VCF-style (leftmost placement, unchanged base first): chrX-133753906-CG-C. GRCh37 (hg19) VCF-style: chrX-132887933-CG-C.
Other names: c.607del, p.Arg203fs (NM_001164617.2); c.559del, p.Arg187fs (NM_001164618.2); c.445del, p.Arg149fs (NM_001164619.2); short protein forms R187fs, R203fs, R149fs.
Identifiers: ClinVar variation 2025427 (VCV002025427.4), dbSNP rs2521356554, ClinGen allele CA2580101555.